The following is an entry in ClinVar:

NM_001007553.3(CSDE1):c.746C>T (p.Pro249Leu)

Gene: CSDE1 (cold shock domain containing E1; minus strand). Cytogenetic location: 1p13.2.
Variant type: single nucleotide variant.
Coding change: c.746C>T on transcript NM_001007553.3 (MANE Select); coding-DNA position 746, C replaced by T.
Protein change: p.Pro249Leu; replaces proline 249 with leucine.
Molecular consequence: missense variant.
Genome position (GRCh38, 1-based): chr1:114,733,823, G>A on the plus strand (C>T on the coding strand, the complement: CSDE1 is on the minus strand). VCF-style: chr1-114733823-G-A. GRCh37 (hg19) VCF-style: chr1-115276444-G-A.
Other names: c.791C>T, p.Pro264Leu (NM_001130523.3); c.884C>T, p.Pro295Leu (NM_001242891.2); c.746C>T, p.Pro249Leu (NM_001242892.2); c.653C>T, p.Pro218Leu (NM_001242893.2, NM_007158.6); short protein forms P218L, P249L, P264L, P295L.
Identifiers: ClinVar variation 3378322 (VCV003378322.1).

ClinVar aggregate classification (germline): Uncertain significance (1 of 4 stars; one submission).

Submission:

GeneDx
Classification: Uncertain significance. Last evaluated: 2024-05-13. Review status: criteria provided, single submitter. Criteria: GeneDx Variant Classification Process June 2021. Collection method: clinical testing. Allele origin: germline. Affected: yes.
Comment: Not observed at significant frequency in large population cohorts (gnomAD); In silico analysis supports that this missense variant has a deleterious effect on protein structure/function; Has not been previously published as pathogenic or benign to our knowledge